The following is an entry in ClinVar:

ClinVar aggregate classification (germline): Uncertain significance (1 of 4 stars; one submission).

Conditions:
Hereditary cancer-predisposing syndrome. Also called: Neoplastic Syndromes, Hereditary; Tumor predisposition; Hereditary Cancer Syndrome; Hereditary neoplastic syndrome. Identifiers: Orphanet 140162, MedGen C0027672, MeSH D009386, MONDO:0015356.

Submission:

Ambry Genetics
Classification: Uncertain significance for Hereditary cancer-predisposing syndrome. Last evaluated: 2021-08-21. Review status: criteria provided, single submitter. Criteria: Ambry Variant Classification Scheme 2023. Collection method: clinical testing. Allele origin: germline.
Comment: The p.T306P variant (also known as c.916A>C), located in coding exon 7 of the ATM gene, results from an A to C substitution at nucleotide position 916. The threonine at codon 306 is replaced by proline, an amino acid with highly similar properties. This amino acid position is conserved. In addition, this alteration is predicted to be tolerated by in silico analysis. Since supporting evidence is limited at this time, the clinical significance of this alteration remains unclear.

NM_000051.4(ATM):c.916A>C (p.Thr306Pro)

Gene: ATM (ATM serine/threonine kinase; plus strand). Cytogenetic location: 11q22.3.
Variant type: single nucleotide variant.
Coding change: c.916A>C on transcript NM_000051.4 (MANE Select); coding-DNA position 916, A replaced by C.
Protein change: p.Thr306Pro; replaces threonine 306 with proline.
Molecular consequence: missense variant.
Genome position (GRCh38, 1-based): chr11:108,246,978, A>C. VCF-style: chr11-108246978-A-C. GRCh37 (hg19) VCF-style: chr11-108117705-A-C.
Other names: c.916A>C, p.Thr306Pro (NM_001351834.2); short protein forms T306P.
Identifiers: ClinVar variation 1766021 (VCV001766021.2), dbSNP rs1555068304, ClinGen allele CA382530525.